The following is an entry in ClinVar:

ClinVar aggregate classification (germline): Uncertain significance (1 of 4 stars; one submission).

Conditions:
Hereditary cancer-predisposing syndrome. Also called: Neoplastic Syndromes, Hereditary; Tumor predisposition; Hereditary Cancer Syndrome; Hereditary neoplastic syndrome. Identifiers: Orphanet 140162, MedGen C0027672, MeSH D009386, MONDO:0015356.

Submission:

Ambry Genetics
Classification: Uncertain significance for Hereditary cancer-predisposing syndrome. Last evaluated: 2025-04-01. Review status: criteria provided, single submitter. Criteria: Ambry Variant Classification Scheme 2023. Collection method: clinical testing. Allele origin: germline.
Comment: The c.7308-3_7386DUP82 variant results from a duplication of 82 nucleotides between positions c.7308-3 and c.7386 and involves the canonical splice acceptor site before coding exon 49 of the ATM gene. In silico splice site analysis predicts that this alteration will result in the creation or strengthening of a novel splice acceptor site; however, direct evidence is insufficient at this time (Ambry internal data). The canonical splice acceptor site is highly conserved in available vertebrate species. Based on the available evidence, the clinical significance of this variant remains unclear.

NM_000051.4(ATM):c.7308-3_7386dup

Genes: ATM (ATM serine/threonine kinase; plus strand), C11orf65 (chromosome 11 open reading frame 65; minus strand). Cytogenetic location: 11q22.3.
Variant type: Duplication.
Coding change: c.7308-3_7386dup on transcript NM_000051.4 (MANE Select); 3 bases into the intron before coding-DNA position 7308 through coding-DNA position 7386, 82 bases duplicated.
Molecular consequence: splice acceptor variant. On other transcripts: intron variant (2).
Genome position (GRCh38, 1-based): chr11:108,330,211-108,330,292, 82 bases duplicated. GRCh37 (hg19): chr11:108,200,938-108,201,019.
Other names: c.7308-3_7386dup (NM_001351834.2); c.641-21220_641-21139dup (NM_001330368.2); c.*38+4929_*38+5010dup (NM_001351110.2).
Identifiers: ClinVar variation 3965743 (VCV003965743.1).